The following is an entry in ClinVar:

NM_001372.4(DNAH9):c.4835T>C (p.Leu1612Pro)

Gene: DNAH9 (dynein axonemal heavy chain 9; plus strand). Cytogenetic location: 17p12.
Variant type: single nucleotide variant.
Coding change: c.4835T>C on transcript NM_001372.4 (MANE Select); coding-DNA position 4835, T replaced by C.
Protein change: p.Leu1612Pro; replaces leucine 1612 with proline.
Molecular consequence: missense variant.
Genome position (GRCh38, 1-based): chr17:11,694,410, T>C. VCF-style: chr17-11694410-T-C. GRCh37 (hg19) VCF-style: chr17-11597727-T-C.
Other names: short protein forms L1612P.
Identifiers: ClinVar variation 3347243 (VCV003347243.1).

ClinVar aggregate classification (germline): Uncertain significance (0 of 4 stars; one submission).

Conditions:
DNAH9-related disorder. Also called: DNAH9-related condition.

gnomAD v4.1: 12 of 1,613,360 alleles (0.00074%); highest among the groups gnomAD compares: Non-Finnish European, 0.001%; no homozygotes.

Submission:

PreventionGenetics, part of Exact Sciences
Classification: Uncertain significance for DNAH9-related condition. Last evaluated: 2024-09-12. Review status: no assertion criteria provided. Collection method: clinical testing. Allele origin: germline.
Comment: The DNAH9 c.4835T>C variant is predicted to result in the amino acid substitution p.Leu1612Pro. To our knowledge, this variant has not been reported in the literature. This variant is reported in 0.0018% of alleles in individuals of European (Non-Finnish) descent in gnomAD. At this time, the clinical significance of this variant is uncertain due to the absence of conclusive functional and genetic evidence.